The following is an entry in ClinVar:

NM_152594.3(SPRED1):c.182G>A (p.Arg61His)

Gene: SPRED1 (sprouty related EVH1 domain containing 1; plus strand). Cytogenetic location: 15q14.
Variant type: single nucleotide variant.
Coding change: c.182G>A on transcript NM_152594.3 (MANE Select); coding-DNA position 182, G replaced by A.
Protein change: p.Arg61His; replaces arginine 61 with histidine.
Molecular consequence: missense variant.
Genome position (GRCh38, 1-based): chr15:38,299,522, G>A. VCF-style: chr15-38299522-G-A. GRCh37 (hg19) VCF-style: chr15-38591723-G-A.
Other names: short protein forms R61H.
Identifiers: ClinVar variation 468794 (VCV000468794.11), dbSNP rs750686148, ClinGen allele CA7470006.
Genomic context (GRCh38, chr15:38,299,522, plus strand): 5'-GCGTCACTGTCTTCAAAGTCCCTCATCAGGAAGAGAATGGCTGTGCTGACTTTTTTATCC[G>A]TGGAGAGCGACTCAGGGACAAAATGGTAATGAATAATGTATCTAATACTATAATTTTAGA-3'
Protein context (NP_689807.1, residues 51-71): EENGCADFFI[Arg61His]GERLRDKMVV

ClinVar aggregate classification (germline): Conflicting classifications of pathogenicity. Review status: criteria provided, conflicting classifications (1 of 4 stars). 2 submissions from 2 submitters: Uncertain significance (1); Benign (1). Last evaluated 2025-08-04.

Conditions:
Legius syndrome. Identifiers: Orphanet 137605, MedGen C1969623, MONDO:0012669, OMIM 611431. Disease mechanism: loss of function.

Allele frequency attached by ClinVar (database versions not stated): gnomAD 0.00002; TOPMed 0.00002.
gnomAD v4.1: 28 of 1,613,798 alleles (0.0017%); highest among the groups gnomAD compares: South Asian, 0.0077%; no homozygotes.

Submissions (2):

Labcorp Genetics (formerly Invitae), Labcorp
Classification: Benign for Legius syndrome. Last evaluated: 2025-08-04. Review status: criteria provided, single submitter. Criteria: Invitae Variant Classification Sherloc (09022015). Collection method: clinical testing. Allele origin: germline.

Women's Health and Genetics/Laboratory Corporation of America, LabCorp
Classification: Uncertain significance. Last evaluated: 2023-08-14. Review status: criteria provided, single submitter. Criteria: LabCorp Variant Classification Summary - May 2015. Collection method: clinical testing. Allele origin: germline.
Comment: Variant summary: SPRED1 c.182G>A (p.Arg61His) results in a non-conservative amino acid change located in the WH1/EVH1 domain (IPR000697) of the encoded protein sequence. Three of five in-silico tools predict a benign effect of the variant on protein function. The variant allele was found at a frequency of 2e-05 in 251124 control chromosomes (i.e., 5 heterozygotes; gnomAD v2.1 Exomes dataset). Although the available data on variant occurrences in the general population are insufficient to allow any conclusion about variant significance, the allele frequency in controls is not suggestive of highly penetrant variant responsible for autosomal dominant disease. c.182G>A has been reported in the literature in individuals affected psoriasis, including one de novo occurrence (e.g., Li_JAutoimmun_2020 and Li_JDermatol_2020). Additionally, the variant was identified in an individual with Noonan syndrome, however authors classified this variant as likely benign due to a co-occurring pathogenic PTPN11 variant (Lodi_2020). These reports therefore do not provide unequivocal conclusions about association of the variant with Neurofibromatosis Type 1-Like Syndrome (Legius Syndrome). Co-occurrences with other pathogenic variants have been observed (PTPN11 c.922A>G, p.Asn308Asp, Lodi_2020; PTPN11 c.1510A>G, p.Met504Val, Internal testing), providing supporting evidence for a benign role. To our knowledge, no experimental evidence demonstrating an impact on protein function has been reported. The following publications have been ascertained in the context of this evaluation (PMID: 31629629, 32396270, 32806529). One submitter has reported clinical-significance assessments for this variant to ClinVar after 2014 and has classified the variant as uncertain significance. Based on the evidence outlined above, the variant was classified as VUS-possibly benign.

Literature cited by the submitters: PubMed 31629629 (cited by Women's Health and Genetics/Laboratory Corporation of America, LabCorp); PubMed 32396270 (cited by Women's Health and Genetics/Laboratory Corporation of America, LabCorp); PubMed 32806529 (cited by Women's Health and Genetics/Laboratory Corporation of America, LabCorp).